The following is an entry in ClinVar:

ClinVar aggregate classification (germline): Benign. Review status: criteria provided, multiple submitters, no conflicts (2 of 4 stars). 7 submissions from 6 submitters: Benign (7). Last evaluated 2026-02-04.

Conditions:
Hypoalphalipoproteinemia, primary, 1. Identifiers: Orphanet 425, MedGen C5231558, MONDO:0011393, OMIM 604091.
Cardiovascular phenotype. Identifiers: MedGen CN230736.
Tangier disease (TGD). Also called: HIGH DENSITY LIPOPROTEIN DEFICIENCY, TANGIER TYPE; HIGH DENSITY LIPOPROTEIN DEFICIENCY, TYPE 1; Cholesterol thesaurismosis. Identifiers: Orphanet 31150, MedGen C0039292, MONDO:0008783, OMIM 205400.

Allele frequency attached by ClinVar (database versions not stated): ESP Exome Variant Server 0.04721; gnomAD 0.05456 and 0.05959; TOPMed 0.06012; gnomAD exomes 0.06846 and 0.08208; ExAC 0.08046; 1000 Genomes Project 30x 0.10790; 1000 Genomes Project 0.11322.
gnomAD v4.1: 109,288 of 1,614,094 alleles (6.8%); highest among the groups gnomAD compares: East Asian, 38%; 6,225 homozygotes.

Submissions (7):

Labcorp Genetics (formerly Invitae), Labcorp
Classification: Benign. Last evaluated: 2026-02-04. Review status: criteria provided, single submitter. Criteria: Invitae Variant Classification Sherloc (09022015). Collection method: clinical testing. Allele origin: germline.

Ambry Genetics
Classification: Benign for Cardiovascular phenotype. Last evaluated: 2019-04-26. Review status: criteria provided, single submitter. Criteria: Ambry Variant Classification Scheme 2023. Collection method: clinical testing. Allele origin: germline.

GeneDx
Classification: Benign. Last evaluated: 2018-11-04. Review status: criteria provided, single submitter. Criteria: GeneDx Variant Classification Process June 2021. Collection method: clinical testing. Allele origin: germline. Affected: yes.
Comment: This variant is associated with the following publications: (PMID: 25961151, 12709788, 25527331, 21247457)

Illumina Laboratory Services, Illumina
Classification: Benign for Hypoalphalipoproteinemia, primary, 1. Last evaluated: 2018-03-06. Review status: criteria provided, single submitter. Criteria: ICSL Variant Classification Criteria 13 December 2019. Collection method: clinical testing. Allele origin: germline.
Comment: This variant was observed in the ICSL laboratory as part of a predisposition screen in an ostensibly healthy population. It had not been previously curated by ICSL or reported in the Human Gene Mutation Database (HGMD: prior to June 1st, 2018), and was therefore a candidate for classification through an automated scoring system. Utilizing variant allele frequency, disease prevalence and penetrance estimates, and inheritance mode, an automated score was calculated to assess if this variant is too frequent to cause the disease. Based on the score and internal cut-off values, a variant classified as benign is not then subjected to further curation. The score for this variant resulted in a classification of benign for this disease.

Illumina Laboratory Services, Illumina
Classification: Benign for Tangier disease. Last evaluated: 2018-03-06. Review status: criteria provided, single submitter. Criteria: ICSL Variant Classification Criteria 13 December 2019. Collection method: clinical testing. Allele origin: germline.
Comment: the same text as in the submission from Illumina Laboratory Services, Illumina above.

Mayo Clinic Laboratories, Mayo Clinic
Classification: Benign. Last evaluated: 2017-08-21. Review status: criteria provided, single submitter. Criteria: ACMG Guidelines, 2015. Collection method: clinical testing. Allele origin: germline. Observed: 171 variant alleles.

Breakthrough Genomics
Classification: Benign. Review status: criteria provided, single submitter. Criteria: ACMG Guidelines, 2015. Collection method: not provided. Allele origin: germline. Inheritance: Autosomal recessive inheritance. Affected: yes.

NM_005502.4(ABCA1):c.2473G>A (p.Val825Ile)

Gene: ABCA1 (ATP binding cassette subfamily A member 1; minus strand). Cytogenetic location: 9q31.1.
Variant type: single nucleotide variant.
Coding change: c.2473G>A on transcript NM_005502.4 (MANE Select); coding-DNA position 2473, G replaced by A.
Protein change: p.Val825Ile; replaces valine 825 with isoleucine.
Molecular consequence: missense variant.
Genome position (GRCh38, 1-based): chr9:104,825,752, C>T on the plus strand (G>A on the coding strand, the complement: ABCA1 is on the minus strand). VCF-style: chr9-104825752-C-T. GRCh37 (hg19) VCF-style: chr9-107588033-C-T.
Other names: short protein forms V825I.
Identifiers: ClinVar variation 364428 (VCV000364428.18), dbSNP rs2066715, ClinGen allele CA5168723.